The following is an entry in ClinVar:

ClinVar aggregate classification (germline): Uncertain significance. Review status: criteria provided, multiple submitters, no conflicts (2 of 4 stars). 2 submissions from 2 submitters: Uncertain significance (2). Last evaluated 2025-10-27.

Conditions:
Cardiomyopathy (CMYO). Also called: Cardiomyopathies. Identifiers: Orphanet 167848, MedGen C0878544, MONDO:0004994, HP:0001638. Inheritance: Various modes of inheritance.
Catecholaminergic polymorphic ventricular tachycardia (CVPT). Also called: Catecholamine-induced polymorphic ventricular tachycardia. Identifiers: Orphanet 3286, MedGen C5574922, MONDO:0017990.

Submissions (2):

Color Diagnostics, LLC DBA Color Health
Classification: Uncertain significance for Cardiomyopathy. Last evaluated: 2025-10-27. Review status: criteria provided, single submitter. Criteria: ACMG Guidelines, 2015. Collection method: clinical testing. Allele origin: germline.
Comment: This missense variant replaces proline with arginine at codon 1438 of the RYR2 protein. Computational prediction is inconclusive regarding the impact of this variant on protein structure and function. To our knowledge, functional studies have not been reported for this variant. This variant has not been reported in individuals affected with RYR2-related disorders in the literature. This variant has not been identified in the general population by the Genome Aggregation Database (gnomAD). The available evidence is insufficient to determine the role of this variant in disease conclusively. Therefore, this variant is classified as a Variant of Uncertain Significance.

All of Us Research Program, National Institutes of Health
Classification: Uncertain significance for Catecholaminergic polymorphic ventricular tachycardia. Last evaluated: 2023-09-17. Review status: criteria provided, single submitter. Criteria: ACMG Guidelines, 2015. Collection method: clinical testing. Allele origin: germline. Inheritance: Autosomal dominant inheritance. Observed: 1 variant allele, 1 heterozygote.
Comment: This missense variant replaces proline with arginine at codon 1438 of the RYR2 protein. Computational prediction is inconclusive regarding the impact of this variant on protein structure and function (internally defined REVEL score threshold 0.5 < inconclusive < 0.7, PMID: 27666373). To our knowledge, functional studies have not been reported for this variant. This variant has not been reported in individuals affected with RYR2-related disorders in the literature. This variant has not been identified in the general population by the Genome Aggregation Database (gnomAD). The available evidence is insufficient to determine the role of this variant in disease conclusively. Therefore, this variant is classified as a Variant of Uncertain Significance.

This study involves interpretation of variants in research participants for the purpose of population health screening. Participant phenotype was not available at the time of variant classification. Additional details can be found in publication PMID: 35346344, PMCID: PMC8962531

NM_001035.3(RYR2):c.4313C>G (p.Pro1438Arg)

Gene: RYR2 (ryanodine receptor 2; plus strand). Cytogenetic location: 1q43.
Variant type: single nucleotide variant.
Coding change: c.4313C>G on transcript NM_001035.3 (MANE Select); coding-DNA position 4313, C replaced by G.
Protein change: p.Pro1438Arg; replaces proline 1438 with arginine.
Molecular consequence: missense variant.
Genome position (GRCh38, 1-based): chr1:237,593,513, C>G. VCF-style: chr1-237593513-C-G. GRCh37 (hg19) VCF-style: chr1-237756813-C-G.
Other names: short protein forms P1438R.
Identifiers: ClinVar variation 3073355 (VCV003073355.2), dbSNP rs762314969, ClinGen allele CA345399661.